The following is an entry in ClinVar:

ClinVar aggregate classification (germline): Likely benign (1 of 4 stars; one submission).

Submission:

GeneDx
Classification: Likely benign. Last evaluated: 2015-10-13. Review status: criteria provided, single submitter. Criteria: GeneDx Variant Classification (06012015). Collection method: clinical testing. Allele origin: germline. Affected: yes.
Comment: This variant is considered likely benign or benign based on one or more of the following criteria: it is a conservative change, it occurs at a poorly conserved position in the protein, it is predicted to be benign by multiple in silico algorithms, and/or has population frequency not consistent with disease.

NM_130839.5(UBE3A):c.-165+15G>A

Gene: UBE3A (ubiquitin protein ligase E3A; minus strand). Cytogenetic location: 15q11.2.
Variant type: single nucleotide variant.
Coding change: c.-165+15G>A on transcript NM_130839.5 (MANE Select); 15 bases into the intron after 165 bases upstream of the start codon, G replaced by A.
Molecular consequence: intron variant.
Genome position (GRCh38, 1-based): chr15:25,438,474, C>T on the plus strand (G>A on the coding strand, the complement: UBE3A is on the minus strand). VCF-style: chr15-25438474-C-T. GRCh37 (hg19) VCF-style: chr15-25683621-C-T.
Other names: c.-116+15G>A (NM_001354546.2); c.-41+15G>A (NM_001354551.2, NM_001354549.2, NM_001354548.2 and 1 more transcripts); c.-105+15G>A (NM_001354542.2); c.-165+15G>A (NM_001354550.2, NM_001354545.2); c.-338+15G>A (NM_001354523.2); c.-296+15G>A (NM_001354539.2); c.-371+15G>A (NM_001354511.2); c.-387+15G>A (NM_001354512.2); and 12 more.
Identifiers: ClinVar variation 381054 (VCV000381054.1), dbSNP rs555020457, ClinGen allele CA16606901.